The following is an entry in ClinVar:

NM_000202.8(IDS):c.880-1G>A

Genes: IDS (iduronate 2-sulfatase; minus strand), LOC106050102 (IDS recombination region; plus strand). Cytogenetic location: Xq28.
Variant type: single nucleotide variant.
Coding change: c.880-1G>A on transcript NM_000202.8 (MANE Select); the canonical splice acceptor site of the intron before coding-DNA position 880, G replaced by A.
Molecular consequence: splice acceptor variant.
Genome position (GRCh38, 1-based): chrX:149,490,441, C>T on the plus strand (G>A on the coding strand, the complement: IDS is on the minus strand). VCF-style: chrX-149490441-C-T. GRCh37 (hg19) VCF-style: chrX-148571972-C-T.
Other names: c.610-1G>A (NM_001166550.4); c.880-1G>A (NM_006123.5).
Identifiers: ClinVar variation 3255873 (VCV003255873.2).

ClinVar aggregate classification (germline): Pathogenic (1 of 4 stars; one submission).

Conditions:
Mucopolysaccharidosis, MPS-II (MPS2). Also called: Hunter Syndrome; IDURONATE 2-SULFATASE DEFICIENCY; Mucopolysaccharidosis Type II; Mucopolysaccharidosis type 2; Attenuated MPS (subtype; formerly known as mild MPS II); Severe MPS II. Identifiers: Orphanet 580, Orphanet 79388, MedGen C0026705, MONDO:0010674, OMIM 309900.

Submission:

Laboratory of Diagnosis and Therapy of Lysosomal Disorders, University of Padova
Classification: Pathogenic for Mucopolysaccharidosis, MPS-II. Last evaluated: 2024-06-07. Review status: criteria provided, single submitter. Criteria: ACMG Guidelines, 2015. Collection method: literature only. Allele origin: germline. Affected: yes. Observed: 2 variant alleles.
Comment: Null variant (PVS1_VeryStrong), Absent from controls (or at low frequency) in gnomAD database (PM2_Moderate), Patient’s phenotype or family history highly specific for the disease (PP4_Strong)

Classification method: ACMG Guidelines [PMID:25741868] with modifications

Literature cited by the submitters: PubMed 17284421; PubMed 34813777.